The following is an entry in ClinVar:

ClinVar aggregate classification (germline): Uncertain significance (1 of 4 stars; one submission).

Submission:

Labcorp Genetics (formerly Invitae), Labcorp
Classification: Uncertain significance. Last evaluated: 2024-12-30. Review status: criteria provided, single submitter. Criteria: Invitae Variant Classification Sherloc (09022015). Collection method: clinical testing. Allele origin: germline.
Comment: This variant, c.6478_6495dup, results in the insertion of 6 amino acid(s) of the POLE protein (p.Ser2160_Arg2165dup), but otherwise preserves the integrity of the reading frame. This variant is not present in population databases (gnomAD no frequency). This variant has not been reported in the literature in individuals affected with POLE-related conditions. In summary, the available evidence is currently insufficient to determine the role of this variant in disease. Therefore, it has been classified as a Variant of Uncertain Significance.

NM_006231.4(POLE):c.6478_6495dup (p.Arg2165_Asp2166insSerCysAsnPheCysArg)

Gene: POLE (DNA polymerase epsilon, catalytic subunit; minus strand). Cytogenetic location: 12q24.33.
Variant type: Duplication.
Coding change: c.6478_6495dup on transcript NM_006231.4 (MANE Select); coding-DNA positions 6478 to 6495, 18 bases duplicated (AGCTGTAACTTCTGCCGC).
Protein change: p.Arg2165_Asp2166insSerCysAsnPheCysArg.
Genome position (GRCh38, 1-based): chr12:132,626,153-132,626,170, GCGGCAGAAGTTACAGCT duplicated on the plus strand (AGCTGTAACTTCTGCCGC on the coding strand, the reverse complement: POLE is on the minus strand); duplicating any 18 consecutive bases within chr12:132,626,153-132,626,178 gives the same sequence; the c. name uses the placement nearest the transcript's 3' end. VCF-style (leftmost placement, unchanged base first): chr12-132626152-C-CGCGGCAGAAGTTACAGCT. GRCh37 (hg19) VCF-style: chr12-133202738-C-CGCGGCAGAAGTTACAGCT.
Identifiers: ClinVar variation 3728251 (VCV003728251.2).